The following is an entry in ClinVar:

NM_000334.4(SCN4A):c.1387G>C (p.Glu463Gln)

Gene: SCN4A (sodium voltage-gated channel alpha subunit 4; minus strand). Cytogenetic location: 17q23.3.
Variant type: single nucleotide variant.
Coding change: c.1387G>C on transcript NM_000334.4 (MANE Select); coding-DNA position 1387, G replaced by C.
Protein change: p.Glu463Gln; replaces glutamic acid 463 with glutamine.
Molecular consequence: missense variant.
Genome position (GRCh38, 1-based): chr17:63,964,533, C>G on the plus strand (G>C on the coding strand, the complement: SCN4A is on the minus strand). VCF-style: chr17-63964533-C-G. GRCh37 (hg19) VCF-style: chr17-62041893-C-G.
Other names: short protein forms E463Q.
Identifiers: ClinVar variation 1427702 (VCV001427702.6), dbSNP rs766046044, ClinGen allele CA8709853.

ClinVar aggregate classification (germline): Uncertain significance (1 of 4 stars; one submission).

Conditions:
Hyperkalemic periodic paralysis. Also called: Familial hyperkalemic periodic paralysis; Gamstorp disease. Identifiers: Orphanet 682, MedGen C0238357, MONDO:0008224, OMIM 170500, HP:0007215.

Allele frequency attached by ClinVar (database versions not stated): ExAC 0.00001; gnomAD 0.00002; gnomAD exomes 0.00002; TOPMed 0.00002.
gnomAD v4.1: 6 of 1,613,946 alleles (0.00037%); highest among the groups gnomAD compares: Admixed American, 0.005%; no homozygotes.

Submission:

Labcorp Genetics (formerly Invitae), Labcorp
Classification: Uncertain significance for Hyperkalemic periodic paralysis. Last evaluated: 2025-10-11. Review status: criteria provided, single submitter. Criteria: Invitae Variant Classification Sherloc (09022015). Collection method: clinical testing. Allele origin: germline.
Comment: This sequence change replaces glutamic acid, which is acidic and polar, with glutamine, which is neutral and polar, at codon 463 of the SCN4A protein (p.Glu463Gln). This variant is present in population databases (rs766046044, gnomAD 0.009%). This variant has not been reported in the literature in individuals affected with SCN4A-related conditions. ClinVar contains an entry for this variant (Variation ID: 1427702). Invitae Evidence Modeling of protein sequence and biophysical properties (such as structural, functional, and spatial information, amino acid conservation, physicochemical variation, residue mobility, and thermodynamic stability) indicates that this missense variant is not expected to disrupt SCN4A protein function with a negative predictive value of 95%. In summary, the available evidence is currently insufficient to determine the role of this variant in disease. Therefore, it has been classified as a Variant of Uncertain Significance.